The following is an entry in ClinVar:

NM_198576.4(AGRN):c.5302G>A (p.Ala1768Thr)

Gene: AGRN (agrin; plus strand). Cytogenetic location: 1p36.33.
Variant type: single nucleotide variant.
Coding change: c.5302G>A on transcript NM_198576.4 (MANE Select); coding-DNA position 5302, G replaced by A.
Protein change: p.Ala1768Thr; replaces alanine 1768 with threonine.
Molecular consequence: missense variant.
Genome position (GRCh38, 1-based): chr1:1,051,301, G>A. VCF-style: chr1-1051301-G-A. GRCh37 (hg19) VCF-style: chr1-986681-G-A.
Other names: c.5314G>A, p.Ala1772Thr (NM_001305275.2); c.4999G>A, p.Ala1667Thr (NM_001364727.2); short protein forms A1667T, A1768T, A1772T.
Identifiers: ClinVar variation 3256787 (VCV003256787.1).
Genomic context (GRCh38, chr1:1,051,301, plus strand): 5'-GCGTCCCCGCAGGTTCCGCACACCGTCCTCAACCTGAAGGAGCCGCTCTACGTAGGGGGC[G>A]CTCCCGACTTCAGCAAGCTGGCCCGTGCTGCTGCCGTGTCCTCTGGCTTCGACGGTGCCA-3'
Protein context (NP_940978.2, residues 1758-1778): NLKEPLYVGG[Ala1768Thr]PDFSKLARAA

ClinVar aggregate classification (germline): Likely pathogenic (0 of 4 stars; one submission).

Conditions:
Congenital myasthenic syndrome 8. Also called: MYASTHENIC SYNDROME, CONGENITAL, DUE TO AGRIN DEFICIENCY; Myasthenic syndrome, congenital, 8, with pre- and postsynaptic defects. Identifiers: Orphanet 590, MedGen C3808739, MONDO:0014052, OMIM 615120.

gnomAD v4.1: 2 of 1,572,732 alleles (0.00013%); highest among the groups gnomAD compares: African/African-American, 0.0013%; no homozygotes.

Submission:

Solve-RD Consortium
Classification: Likely pathogenic for Congenital myasthenic syndrome 8. Last evaluated: 2022-06-01. Review status: no assertion criteria provided. Collection method: provider interpretation. Allele origin: inherited. Affected: yes.
Comment: Variant confirmed as disease-causing by referring clinical team

Variant identified during reanalysis of unsolved cases by the Solve-RD project. The Solve-RD project has received funding from the European Union’s Horizon 2020 research and innovation programme under grant agreement No 779257.

Literature cited by the submitters: PubMed 39825153.